The following is an entry in ClinVar:

NM_025144.4(ALPK1):c.3214C>A (p.Gln1072Lys)

Gene: ALPK1 (alpha kinase 1; plus strand). Cytogenetic location: 4q25.
Variant type: single nucleotide variant.
Coding change: c.3214C>A on transcript NM_025144.4 (MANE Select); coding-DNA position 3214, C replaced by A.
Protein change: p.Gln1072Lys; replaces glutamine 1072 with lysine.
Molecular consequence: missense variant.
Genome position (GRCh38, 1-based): chr4:112,438,509, C>A. VCF-style: chr4-112438509-C-A. GRCh37 (hg19) VCF-style: chr4-113359665-C-A.
Other names: c.3214C>A, p.Gln1072Lys (NM_001102406.2); c.2980C>A, p.Gln994Lys (NM_001253884.2); short protein forms Q994K, Q1072K.
Identifiers: ClinVar variation 4575367 (VCV004575367.2).
Genomic context (GRCh38, chr4:112,438,509, plus strand): 5'-TTGCATTTTGTTGTGTGGATTTTCTTTGTTCATAGGTATGTTGGGAAAGACTATAAGGAG[C>A]AGAAGGGGCTCTGGCACCACTTCACTGATGTGGAGCGACAGATGACCGCACAGCACTATG-3'
Protein context (NP_079420.3, residues 1062-1082): GRYVGKDYKE[Gln1072Lys]KGLWHHFTDV

ClinVar aggregate classification (germline): Uncertain significance. Review status: criteria provided, multiple submitters, no conflicts (2 of 4 stars). 2 submissions from 2 submitters: Uncertain significance (2). Last evaluated 2025-12-17.

Conditions:
Inborn genetic diseases. Identifiers: MedGen C0950123, MeSH D030342.

gnomAD v4.1: 30 of 1,613,542 alleles (0.0019%); highest among the groups gnomAD compares: Non-Finnish European, 0.0022%; no homozygotes.

Submissions (2):

Labcorp Genetics (formerly Invitae), Labcorp
Classification: Uncertain significance. Last evaluated: 2025-12-17. Review status: criteria provided, single submitter. Criteria: Invitae Variant Classification Sherloc (09022015). Collection method: clinical testing. Allele origin: germline.
Comment: This sequence change replaces glutamine, which is neutral and polar, with lysine, which is basic and polar, at codon 1072 of the ALPK1 protein (p.Gln1072Lys). This variant is present in population databases (rs751561819, gnomAD 0.004%). This variant has not been reported in the literature in individuals affected with ALPK1-related conditions. Invitae Evidence Modeling of protein sequence and biophysical properties (such as structural, functional, and spatial information, amino acid conservation, physicochemical variation, residue mobility, and thermodynamic stability) indicates that this missense variant is not expected to disrupt ALPK1 protein function with a negative predictive value of 80%. In summary, the available evidence is currently insufficient to determine the role of this variant in disease. Therefore, it has been classified as a Variant of Uncertain Significance.

Ambry Genetics
Classification: Uncertain significance for Inborn genetic diseases. Last evaluated: 2025-12-04. Review status: criteria provided, single submitter. Criteria: Ambry Variant Classification Scheme 2023. Collection method: clinical testing. Allele origin: germline.